The following is an entry in ClinVar:

ClinVar aggregate classification (germline): Uncertain significance. Review status: criteria provided, multiple submitters, no conflicts (2 of 4 stars). 2 submissions from 2 submitters: Uncertain significance (2). Last evaluated 2026-02-16.

Conditions:
Inborn genetic diseases. Identifiers: MedGen C0950123, MeSH D030342.

Allele frequency attached by ClinVar (database versions not stated): gnomAD 0.00005; TOPMed 0.00005; ESP Exome Variant Server 0.00008; ExAC 0.00001; gnomAD exomes 0.00001.

Submissions (2):

Ambry Genetics
Classification: Uncertain significance for Inborn genetic diseases. Last evaluated: 2026-02-16. Review status: criteria provided, single submitter. Criteria: Ambry Variant Classification Scheme 2023. Collection method: clinical testing. Allele origin: germline.
Comment: The c.104T>C (p.V35A) alteration is located in exon 2 (coding exon 1) of the GJB3 gene. This alteration results from a T to C substitution at nucleotide position 104, causing the valine (V) at amino acid position 35 to be replaced by an alanine (A). Based on data from gnomAD, the C allele has an overall frequency of 0.002% (5/282820) total alleles studied. The highest observed frequency was 0.02% (5/24956) of African alleles. Based on insufficient or conflicting evidence, the clinical significance of this alteration remains unclear.

GeneDx
Classification: Uncertain significance. Last evaluated: 2022-11-08. Review status: criteria provided, single submitter. Criteria: GeneDx Variant Classification Process June 2021. Collection method: clinical testing. Allele origin: germline. Affected: yes.
Comment: In silico analysis supports that this missense variant has a deleterious effect on protein structure/function; Has not been previously published as pathogenic or benign to our knowledge

NM_024009.3(GJB3):c.104T>C (p.Val35Ala)

Gene: GJB3 (gap junction protein beta 3; plus strand). Cytogenetic location: 1p34.3.
Variant type: single nucleotide variant.
Coding change: c.104T>C on transcript NM_024009.3 (MANE Select); coding-DNA position 104, T replaced by C.
Protein change: p.Val35Ala; replaces valine 35 with alanine.
Molecular consequence: missense variant.
Genome position (GRCh38, 1-based): chr1:34,784,866, T>C. VCF-style: chr1-34784866-T-C. GRCh37 (hg19) VCF-style: chr1-35250467-T-C.
Other names: c.104T>C, p.Val35Ala (NM_001005752.2); short protein forms V35A.
Identifiers: ClinVar variation 2501645 (VCV002501645.2), dbSNP rs149623367, ClinGen allele CA754745.